The following is an entry in ClinVar:

NM_001018115.3(FANCD2):c.1759G>A (p.Ala587Thr)

Genes: FANCD2 (FA complementation group D2; plus strand), LOC107303338 (3p25 FANCD2 Alu-mediated recombination region; plus strand). Cytogenetic location: 3p25.3.
Variant type: single nucleotide variant.
Coding change: c.1759G>A on transcript NM_001018115.3 (MANE Select); coding-DNA position 1759, G replaced by A.
Protein change: p.Ala587Thr; replaces alanine 587 with threonine.
Molecular consequence: missense variant.
Genome position (GRCh38, 1-based): chr3:10,060,396, G>A. VCF-style: chr3-10060396-G-A. GRCh37 (hg19) VCF-style: chr3-10102080-G-A.
Other names: c.1759G>A, p.Ala587Thr (NM_001319984.2, NM_001374254.1, NM_033084.6); c.1648G>A, p.Ala550Thr (NM_001374253.1); short protein forms A587T, A550T.
Identifiers: ClinVar variation 456348 (VCV000456348.6), dbSNP rs1553610798, ClinGen allele CA351727425.

ClinVar aggregate classification (germline): Uncertain significance (1 of 4 stars; one submission).

Conditions:
Fanconi anemia (FA). Also called: Fanconi's anemia. Identifiers: Orphanet 84, MedGen C0015625, MeSH D005199, MONDO:0019391.

Allele frequency attached by ClinVar (database versions not stated): gnomAD exomes below 0.00001.
gnomAD v4.1: 3 of 1,612,752 alleles (0.00019%); highest among the groups gnomAD compares: South Asian, 0.0011%; no homozygotes.

Submission:

Labcorp Genetics (formerly Invitae), Labcorp
Classification: Uncertain significance for Fanconi anemia. Last evaluated: 2024-04-16. Review status: criteria provided, single submitter. Criteria: Invitae Variant Classification Sherloc (09022015). Collection method: clinical testing. Allele origin: germline.
Comment: This sequence change replaces alanine, which is neutral and non-polar, with threonine, which is neutral and polar, at codon 587 of the FANCD2 protein (p.Ala587Thr). This variant is not present in population databases (gnomAD no frequency). This variant has not been reported in the literature in individuals affected with FANCD2-related conditions. ClinVar contains an entry for this variant (Variation ID: 456348). Advanced modeling of protein sequence and biophysical properties (such as structural, functional, and spatial information, amino acid conservation, physicochemical variation, residue mobility, and thermodynamic stability) performed at Invitae indicates that this missense variant is not expected to disrupt FANCD2 protein function with a negative predictive value of 80%. In summary, the available evidence is currently insufficient to determine the role of this variant in disease. Therefore, it has been classified as a Variant of Uncertain Significance.